The following is an entry in ClinVar:

NM_018668.5(VPS33B):c.44T>C (p.Phe15Ser)

Gene: VPS33B (VPS33B late endosome and lysosome associated; minus strand). Cytogenetic location: 15q26.1.
Variant type: single nucleotide variant.
Coding change: c.44T>C on transcript NM_018668.5 (MANE Select); coding-DNA position 44, T replaced by C.
Protein change: p.Phe15Ser; replaces phenylalanine 15 with serine.
Molecular consequence: missense variant. On other transcripts: 5 prime UTR variant (1).
Genome position (GRCh38, 1-based): chr15:91,022,206, A>G on the plus strand (T>C on the coding strand, the complement: VPS33B is on the minus strand). VCF-style: chr15-91022206-A-G. GRCh37 (hg19) VCF-style: chr15-91565436-A-G.
Other names: c.44T>C, p.Phe15Ser (NM_001289148.1); c.-168T>C (NM_001289149.1); short protein forms F15S.
Identifiers: ClinVar variation 1028606 (VCV001028606.2), dbSNP rs748609085, ClinGen allele CA7745240.

ClinVar aggregate classification (germline): Uncertain significance. Review status: criteria provided, multiple submitters, no conflicts (2 of 4 stars). 2 submissions from 2 submitters: Uncertain significance (2). Last evaluated 2024-03-13.

Conditions:
Keratoderma-ichthyosis-deafness syndrome, autosomal recessive (KDIDAR). Identifiers: MedGen C5774200, MONDO:0859278, OMIM 620009.
Cholestasis, progressive familial intrahepatic, 12 (PFIC12). Also called: CHOLESTASIS, ISOLATED LOW-GGT. Identifiers: MedGen C5774311, MONDO:0031040, OMIM 620010.
Arthrogryposis, renal dysfunction, and cholestasis 1 (ARCS1). Identifiers: Orphanet 2697, MedGen C1859722, MONDO:0008822, OMIM 208085.

Allele frequency attached by ClinVar (database versions not stated): gnomAD 0.00001; TOPMed 0.00002; ExAC 0.00009.
gnomAD v4.1: 10 of 1,588,280 alleles (0.00063%); highest among the groups gnomAD compares: Admixed American, 0.017%; no homozygotes.

Submissions (2):

Fulgent Genetics
Classification: Uncertain significance for Arthrogryposis, renal dysfunction, and cholestasis 1; Keratoderma-ichthyosis-deafness syndrome, autosomal recessive; Cholestasis, progressive familial intrahepatic, 12. Last evaluated: 2024-03-13. Review status: criteria provided, single submitter. Criteria: ACMG Guidelines, 2015. Collection method: clinical testing. Allele origin: germline.

Baylor Genetics
Classification: Uncertain significance for Arthrogryposis, renal dysfunction, and cholestasis 1. Last evaluated: 2019-08-07. Review status: criteria provided, single submitter. Criteria: ACMG Guidelines, 2015. Collection method: clinical testing. Allele origin: unknown. Affected: yes.
Comment: This variant was determined to be of uncertain significance according to ACMG Guidelines, 2015 [PMID:25741868].